The following is an entry in ClinVar:

ClinVar aggregate classification (germline): Uncertain significance (1 of 4 stars; one submission).

Submission:

Ambry Genetics
Classification: Uncertain significance. Last evaluated: 2025-09-26. Review status: criteria provided, single submitter. Criteria: Ambry Variant Classification Scheme 2023. Collection method: clinical testing. Allele origin: germline.
Comment: The p.Q344* variant (also known as c.1030C>T), located in coding exon 8 of the RNF43 gene, results from a C to T substitution at nucleotide position 1030. This changes the amino acid from a glutamine to a stop codon within coding exon 8. The evidence for this gene-disease relationship is limited; therefore, the clinical significance of this alteration is unclear.

NM_017763.6(RNF43):c.1030C>T (p.Gln344Ter)

Gene: RNF43 (ring finger protein 43; minus strand). Cytogenetic location: 17q22.
Variant type: single nucleotide variant.
Coding change: c.1030C>T on transcript NM_017763.6 (MANE Select); coding-DNA position 1030, C replaced by T.
Protein change: p.Gln344Ter; replaces glutamine 344 with a stop codon.
Molecular consequence: nonsense.
Genome position (GRCh38, 1-based): chr17:58,358,746, G>A on the plus strand (C>T on the coding strand, the complement: RNF43 is on the minus strand). VCF-style: chr17-58358746-G-A. GRCh37 (hg19) VCF-style: chr17-56436107-G-A.
Other names: c.1030C>T, p.Gln344Ter (NM_001305544.3, NM_001438820.1, NM_001438821.1 and 1 more transcripts); c.649C>T, p.Gln217Ter (NM_001305545.2, NM_001437987.1); short protein forms Q344*, Q217*.
Identifiers: ClinVar variation 4578950 (VCV004578950.1).